The following is an entry in ClinVar:

NM_024426.6(WT1):c.386C>T (p.Pro129Leu)

Genes: WT1 (WT1 transcription factor; minus strand), LOC107982234 (WT1/WT1-AS bi-directional promoter region; plus strand). Cytogenetic location: 11p13.
Variant type: single nucleotide variant.
Coding change: c.386C>T on transcript NM_024426.6 (MANE Select); coding-DNA position 386, C replaced by T.
Protein change: p.Pro129Leu; replaces proline 129 with leucine.
Molecular consequence: missense variant. On other transcripts: non-coding transcript variant (1).
Genome position (GRCh38, 1-based): chr11:32,434,975, G>A on the plus strand (C>T on the coding strand, the complement: WT1 is on the minus strand). VCF-style: chr11-32434975-G-A. GRCh37 (hg19) VCF-style: chr11-32456521-G-A.
Other names: c.386C>T, p.Pro129Leu (NM_000378.6, NM_024424.5); short protein forms P129L.
Identifiers: ClinVar variation 578155 (VCV000578155.18), dbSNP rs745435848, ClinGen allele CA064875.

ClinVar aggregate classification (germline): Uncertain significance. Review status: criteria provided, multiple submitters, no conflicts (2 of 4 stars). 3 submissions from 3 submitters: Uncertain significance (3). Last evaluated 2024-12-20.

Conditions:
Wilms tumor 1 (WT1). Also called: Wilms tumor, somatic. Identifiers: Orphanet 654, MedGen CN033288, MONDO:0008679, OMIM 194070.
11p partial monosomy syndrome (WAGR). Also called: WAGR syndrome; WAGR Complex; WAGR Spectrum Disorder; CHROMOSOME 11p13 DELETION SYNDROME. Identifiers: Orphanet 893, MedGen C0206115, MONDO:0008681, OMIM 194072.
Frasier syndrome. Identifiers: Orphanet 347, MedGen C0950122, MeSH D052159, MONDO:0007635, OMIM 136680.
Drash syndrome (DDS). Also called: WILMS TUMOR AND PSEUDO- OR TRUE HERMAPHRODITISM; NEPHROPATHY, WILMS TUMOR, AND GENITAL ANOMALIES. Identifiers: Orphanet 220, MedGen C0950121, MONDO:0008682, OMIM 194080.
Aniridia 1 (AN1). Identifiers: Orphanet 250923, MedGen C0344542, MONDO:0024507, OMIM 106210.
Nephrotic syndrome, type 4 (NPHS4). Also called: Familial mesangial sclerosis; Nephrotic syndrome, early onset with diffuse mesangial sclerosis. Identifiers: Orphanet 656, MedGen C3151568, MONDO:0009733, OMIM 256370.
Meacham syndrome. Also called: Meacham Winn Culler syndrome. Identifiers: Orphanet 3097, MedGen C1837026, MONDO:0012164, OMIM 608978.
Mesothelioma, malignant (MESOM). Also called: Malignant mesothelioma (disease). Identifiers: Orphanet 50251, MedGen C0345967, MONDO:0006292, OMIM 156240, HP:0100001.
Inborn genetic diseases. Identifiers: MedGen C0950123, MeSH D030342.

Allele frequency attached by ClinVar (database versions not stated): ExAC below 0.00001; TOPMed 0.00006.
gnomAD v4.1: 5 of 1,524,240 alleles (0.00033%); highest among the groups gnomAD compares: African/African-American, 0.0069%; no homozygotes.

Submissions (3):

Ambry Genetics
Classification: Uncertain significance for Inborn genetic diseases. Last evaluated: 2024-12-20. Review status: criteria provided, single submitter. Criteria: Ambry Variant Classification Scheme 2023. Collection method: clinical testing. Allele origin: germline.
Comment: The p.P124L variant (also known as c.371C>T), located in coding exon 1 of the WT1 gene, results from a C to T substitution at nucleotide position 371. The proline at codon 124 is replaced by leucine, an amino acid with similar properties. This amino acid position is conserved. In addition, the in silico prediction for this alteration is inconclusive. Based on the available evidence, the clinical significance of this variant remains unclear.

Labcorp Genetics (formerly Invitae), Labcorp
Classification: Uncertain significance for Wilms tumor 1; Drash syndrome; 11p partial monosomy syndrome; Frasier syndrome. Last evaluated: 2023-05-18. Review status: criteria provided, single submitter. Criteria: Invitae Variant Classification Sherloc (09022015). Collection method: clinical testing. Allele origin: germline.
Comment: In summary, the available evidence is currently insufficient to determine the role of this variant in disease. Therefore, it has been classified as a Variant of Uncertain Significance. An algorithm developed to predict the effect of missense changes on protein structure and function (PolyPhen-2) suggests that this variant is likely to be disruptive. ClinVar contains an entry for this variant (Variation ID: 578155). This variant has not been reported in the literature in individuals affected with WT1-related conditions. This variant is present in population databases (rs745435848, gnomAD 0.01%). This sequence change replaces proline, which is neutral and non-polar, with leucine, which is neutral and non-polar, at codon 124 of the WT1 protein (p.Pro124Leu).

Fulgent Genetics
Classification: Uncertain significance for Aniridia 1; Frasier syndrome; Mesothelioma, malignant; Wilms tumor 1; 11p partial monosomy syndrome; Drash syndrome; Nephrotic syndrome, type 4; Meacham syndrome. Last evaluated: 2022-05-07. Review status: criteria provided, single submitter. Criteria: ACMG Guidelines, 2015. Collection method: clinical testing. Allele origin: unknown.